The following is an entry in ClinVar:

ClinVar aggregate classification (germline): Benign. Review status: criteria provided, single submitter (1 of 4 stars). 3 submissions from 3 submitters: Benign (1). 2 of the submissions do not count toward it. Last evaluated 2024-08-20.

Conditions:
SETD2-related disorder.
Luscan-Lumish syndrome. Identifiers: Orphanet 597738, MedGen C4085873, MONDO:0014791, OMIM 616831.

Allele frequency attached by ClinVar (database versions not stated): ESP Exome Variant Server 0.00015; gnomAD 0.00025 and 0.00026; TOPMed 0.00031; 1000 Genomes Project 30x 0.00062; 1000 Genomes Project 0.00080.
gnomAD v4.1: 173 of 1,614,084 alleles (0.011%); highest among the groups gnomAD compares: African/African-American, 0.12%; 2 homozygotes.

Submissions (3):

Labcorp Genetics (formerly Invitae), Labcorp
Classification: Benign for Luscan-Lumish syndrome. Last evaluated: 2024-08-20. Review status: criteria provided, single submitter. Criteria: Invitae Variant Classification Sherloc (09022015). Collection method: clinical testing. Allele origin: germline.

PreventionGenetics, part of Exact Sciences
Classification: Likely benign for SETD2-related condition. Last evaluated: 2019-03-26. Review status: no assertion criteria provided. Collection method: clinical testing. Allele origin: germline. Not counted in ClinVar's aggregate classification.
Comment: This variant is classified as likely benign based on ACMG/AMP sequence variant interpretation guidelines (Richards et al. 2015 PMID: 25741868, with internal and published modifications).

ITMI
No classification provided. Condition: AllHighlyPenetrant. Last evaluated: 2013-09-19. Review status: no classification provided. Collection method: reference population. Allele origin: germline. Not counted in ClinVar's aggregate classification.
Comment: Please see associated publication for description of ethnicities

Literature cited by the submitters: PubMed 24728327 (cited by ITMI).

NM_014159.7(SETD2):c.2450T>C (p.Met817Thr)

Gene: SETD2 (SET domain containing 2, histone lysine methyltransferase; minus strand). Cytogenetic location: 3p21.31.
Variant type: single nucleotide variant.
Coding change: c.2450T>C on transcript NM_014159.7 (MANE Select); coding-DNA position 2450, T replaced by C.
Protein change: p.Met817Thr; replaces methionine 817 with threonine.
Molecular consequence: missense variant. On other transcripts: non-coding transcript variant (1).
Genome position (GRCh38, 1-based): chr3:47,122,186, A>G on the plus strand (T>C on the coding strand, the complement: SETD2 is on the minus strand). VCF-style: chr3-47122186-A-G. GRCh37 (hg19) VCF-style: chr3-47163676-A-G.
Other names: c.2318T>C, p.Met773Thr (NM_001349370.3); short protein forms M817T, M773T.
Identifiers: ClinVar variation 135237 (VCV000135237.13), dbSNP rs115023083, ClinGen allele CA162104.